The following is an entry in ClinVar:

NM_000088.4(COL1A1):c.310_313del (p.Asp104fs)

Gene: COL1A1 (collagen type I alpha 1 chain; minus strand). Cytogenetic location: 17q21.33.
Variant type: Deletion.
Coding change: c.310_313del on transcript NM_000088.4 (MANE Select); coding-DNA positions 310 to 313, 4 bases deleted (GACC; older notation c.310_313delGACC).
Protein change: p.Asp104fs; shifts the reading frame from aspartic acid 104.
Molecular consequence: frameshift variant.
Genome position (GRCh38, 1-based): chr17:50,199,576-50,199,579, GGTC deleted on the plus strand (GACC on the coding strand, the reverse complement: COL1A1 is on the minus strand); deleting any 4 consecutive bases within chr17:50,199,576-50,199,582 gives the same sequence; the c. name uses the placement nearest the transcript's 3' end. VCF-style (leftmost placement, unchanged base first): chr17-50199575-TGGTC-T. GRCh37 (hg19) VCF-style: chr17-48276936-TGGTC-T.
Other names: short protein forms D104fs.
Identifiers: ClinVar variation 837490 (VCV000837490.8), dbSNP rs1907889665, ClinGen allele CA916081214.

ClinVar aggregate classification (germline): Pathogenic (1 of 4 stars; one submission).

Conditions:
Osteogenesis imperfecta type I (OI1). Also called: Lobstein's Disease; OI, TYPE I; OSTEOGENESIS IMPERFECTA TARDA; OSTEOGENESIS IMPERFECTA WITH BLUE SCLERAE; Osteogenesis imperfecta type 1; Lobstein disease. Identifiers: Orphanet 216796, Orphanet 666, MedGen C0023931, MONDO:0008146, OMIM 166200. Disease mechanism: loss of function.

Submission:

Labcorp Genetics (formerly Invitae), Labcorp
Classification: Pathogenic for Osteogenesis imperfecta type I. Last evaluated: 2019-12-27. Review status: criteria provided, single submitter. Criteria: Invitae Variant Classification Sherloc (09022015). Collection method: clinical testing. Allele origin: germline.
Comment: For these reasons, this variant has been classified as Pathogenic. Loss-of-function variants in COL1A1 are known to be pathogenic (PMID: 7942841, 9295084, 9443882). This variant has not been reported in the literature in individuals with COL1A1-related conditions. This variant is not present in population databases (ExAC no frequency). This sequence change creates a premature translational stop signal (p.Asp104Lysfs*160) in the COL1A1 gene. It is expected to result in an absent or disrupted protein product.

Literature cited by the submitters: PubMed 7942841; PubMed 9295084; PubMed 9443882.